The following is an entry in ClinVar:

ClinVar aggregate classification (germline): Conflicting classifications of pathogenicity. Review status: criteria provided, conflicting classifications (1 of 4 stars). 2 submissions from 2 submitters: Uncertain significance (1); Likely benign (1). Last evaluated 2025-05-02.

Conditions:
Familial sleep-related hypermotor epilepsy. Also called: Autosomal Dominant Sleep-Related Hypermotor (Hyperkinetic) Epilepsy. Identifiers: Orphanet 98784, MedGen C3696898, MONDO:0000030.

Allele frequency attached by ClinVar (database versions not stated): gnomAD exomes 0.00002 and below 0.00001; TOPMed 0.00002; gnomAD 0.00002.
gnomAD v4.1: 32 of 1,607,716 alleles (0.002%); highest among the groups gnomAD compares: Non-Finnish European, 0.0026%; no homozygotes.

Submissions (2):

Labcorp Genetics (formerly Invitae), Labcorp
Classification: Likely benign. Last evaluated: 2025-05-02. Review status: criteria provided, single submitter. Criteria: Invitae Variant Classification Sherloc (09022015). Collection method: clinical testing. Allele origin: germline.

GeneDx
Classification: Uncertain significance. Last evaluated: 2014-06-27. Review status: criteria provided, single submitter. Criteria: GeneDx Variant Classification (06012015). Collection method: clinical testing. Allele origin: germline. Affected: yes.
Comment: p.Leu389Phe (CTC>TTC): c.1165 C>T in exon 6 of the CHRNA2 gene (NM_000742.3). A variant of unknown significance has been identified in the CHRNA7 gene. The L389F variant has not been published as a mutation, nor has it been reported as a benign polymorphism to our knowledge. It was not observed in approximately 6,500 individuals of European and African American ancestry in the NHLBI Exome Sequencing Project, indicating it is not a common benign variant in these populations. The L389F variant is a conservative amino acid substitution, which is not likely to impact secondary protein structure as these residues share similar properties. This substitution occurs at a position that is not conserved across species, and in silico analysis predicts the L389F variant likely does not alter the protein structure/function. However, this amino acid substitution does not occur within the transmembrane region of the protein, where the vast majority of pathogenic missense mutations have been identified in association with epilepsy (Steinlein et al., 2010). Therefore, based on the currently available information, it is unclear whether the L389F variant is a pathogenic mutation or a rare benign variant. The variant is found in CHILD-EPI panel(s).

NM_000742.4(CHRNA2):c.1165C>T (p.Leu389Phe)

Gene: CHRNA2 (cholinergic receptor nicotinic alpha 2 subunit; minus strand). Cytogenetic location: 8p21.2.
Variant type: single nucleotide variant.
Coding change: c.1165C>T on transcript NM_000742.4 (MANE Select); coding-DNA position 1165, C replaced by T.
Protein change: p.Leu389Phe; replaces leucine 389 with phenylalanine.
Molecular consequence: missense variant.
Genome position (GRCh38, 1-based): chr8:27,463,278, G>A on the plus strand (C>T on the coding strand, the complement: CHRNA2 is on the minus strand). VCF-style: chr8-27463278-G-A. GRCh37 (hg19) VCF-style: chr8-27320795-G-A.
Other names: p.L389F:CTC>TTC; c.1120C>T, p.Leu374Phe (NM_001282455.2); c.688C>T, p.Leu230Phe (NM_001347705.2, NM_001347706.2); c.571C>T, p.Leu191Phe (NM_001347707.2, NM_001347708.2); short protein forms L389F, L191F, L230F, L374F.
Identifiers: ClinVar variation 204972 (VCV000204972.7), dbSNP rs796052303, ClinGen allele CA313466.